The following is an entry in ClinVar:

ClinVar aggregate classification (germline): Uncertain significance (1 of 4 stars; one submission).

Conditions:
Leigh syndrome (NULS). Also called: Leigh's necrotizing encephalopathy; Leigh's disease; Leigh's syndrome; LEIGH SYNDROME, NUCLEAR; Leigh Syndrome (mtDNA deletion); Leigh Disease. Identifiers: Orphanet 506, MedGen C2931891, MONDO:0009723, OMIM 256000.

Submission:

Wong Mito Lab, Molecular and Human Genetics, Baylor College of Medicine
Classification: Uncertain significance for Leigh syndrome. Last evaluated: 2019-10-17. Review status: criteria provided, single submitter. Criteria: Modified ACMG Guidelines (Unpublished). Collection method: clinical testing. Allele origin: germline.
Comment: The NC_012920.1:m.14576A>G (YP_003024037.1:p.Ile33Thr) variant in MTND6 gene is interpretated to be a Uncertain Significance variant based on the modified ACMG guidelines (unpublished). This variant meets the following evidence codes: PP7, BP4

NC_012920.1(MT-ND6):m.14576A>G

Gene: MT-ND6 (mitochondrially encoded NADH dehydrogenase 6; minus strand).
Variant type: single nucleotide variant.
Genome position: chrM-14576-A-G.
Identifiers: ClinVar variation 693741 (VCV000693741.1), dbSNP rs1603224796, ClinGen allele CA414823117.